The following is an entry in ClinVar:

ClinVar aggregate classification (germline): Conflicting classifications of pathogenicity. Review status: criteria provided, conflicting classifications (1 of 4 stars). 11 submissions from 11 submitters: Uncertain significance (1); Benign (1); Likely benign (7). 2 of the submissions do not count toward it. Last evaluated 2026-07-01.

Conditions:
Early-infantile DEE. Also called: Early infantile epileptic encephalopathy; Ohtahara syndrome; Early infantile epileptic encephalopathy with suppression bursts. Identifiers: Orphanet 1934, MedGen C0393706, MONDO:0800491.
Inborn genetic diseases. Identifiers: MedGen C0950123, MeSH D030342.

Allele frequency attached by ClinVar (database versions not stated): gnomAD 0.00007 and 0.00008; ExAC 0.00009; gnomAD exomes 0.00012; TOPMed 0.00012.
gnomAD v4.1: 169 of 1,613,478 alleles (0.01%); highest among the groups gnomAD compares: Admixed American, 0.015%; no homozygotes.

Submissions (11):

CeGaT Center for Human Genetics Tuebingen
Classification: Likely benign. Last evaluated: 2026-07-01. Review status: criteria provided, single submitter. Criteria: CeGaT Center For Human Genetics Tuebingen Variant Classification Criteria Version 2. Collection method: clinical testing. Allele origin: germline. Affected: yes. Observed: 1 variant allele.
Comment: SCN1A: BP4, BP7

Labcorp Genetics (formerly Invitae), Labcorp
Classification: Likely benign for Early-infantile DEE. Last evaluated: 2026-02-03. Review status: criteria provided, single submitter. Criteria: Invitae Variant Classification Sherloc (09022015). Collection method: clinical testing. Allele origin: germline.

ARUP Laboratories, Molecular Genetics and Genomics, ARUP Laboratories
Classification: Likely benign. Last evaluated: 2025-05-06. Review status: criteria provided, single submitter. Criteria: ARUP Molecular Germline Variant Investigation Process 2024. Collection method: clinical testing. Allele origin: germline.

Women's Health and Genetics/Laboratory Corporation of America, LabCorp
Classification: Benign. Last evaluated: 2023-07-31. Review status: criteria provided, single submitter. Criteria: LabCorp Variant Classification Summary - May 2015. Collection method: clinical testing. Allele origin: germline.

Blueprint Genetics
Classification: Likely benign. Last evaluated: 2023-01-16. Review status: criteria provided, single submitter. Criteria: ACMG Guidelines, 2015. Collection method: clinical testing. Allele origin: germline.

GeneDx
Classification: Likely benign. Last evaluated: 2021-06-21. Review status: criteria provided, single submitter. Criteria: GeneDx Variant Classification Process June 2021. Collection method: clinical testing. Allele origin: germline. Affected: yes.

Ambry Genetics
Classification: Likely benign for Inborn genetic diseases. Last evaluated: 2018-10-16. Review status: criteria provided, single submitter. Criteria: Ambry Variant Classification Scheme 2023. Collection method: clinical testing. Allele origin: germline.

Genetic Services Laboratory, University of Chicago
Classification: Uncertain significance. Last evaluated: 2013-04-05. Review status: criteria provided, single submitter. Criteria: ACMG Guidelines, 2007. Collection method: clinical testing. Allele origin: germline. Inheritance: Autosomal dominant inheritance.

PreventionGenetics, part of Exact Sciences
Classification: Likely benign. Review status: criteria provided, single submitter. Criteria: ACMG Guidelines, 2015. Collection method: clinical testing. Allele origin: germline.

Diagnostic Laboratory, Department of Genetics, University Medical Center Groningen
Classification: Likely benign. Review status: no assertion criteria provided. Collection method: clinical testing. Allele origin: germline. Affected: yes. Study: VKGL Data-share Consensus. Not counted in ClinVar's aggregate classification.

Genome Diagnostics Laboratory, University Medical Center Utrecht
Classification: Likely benign. Review status: no assertion criteria provided. Collection method: clinical testing. Allele origin: germline. Affected: yes. Study: VKGL Data-share Consensus. Not counted in ClinVar's aggregate classification.

NM_001165963.4(SCN1A):c.4887C>T (p.Phe1629=)

Genes: SCN1A (sodium voltage-gated channel alpha subunit 1; minus strand), LOC102724058 (uncharacterized LOC102724058; plus strand). Cytogenetic location: 2q24.3.
Variant type: single nucleotide variant.
Coding change: c.4887C>T on transcript NM_001165963.4 (MANE Select); coding-DNA position 4887, C replaced by T.
Protein change: p.Phe1629=; no amino-acid change (phenylalanine 1629 retained).
Molecular consequence: synonymous variant. On other transcripts: non-coding transcript variant (1).
Genome position (GRCh38, 1-based): chr2:165,992,388, G>A on the plus strand (C>T on the coding strand, the complement: SCN1A is on the minus strand). VCF-style: chr2-165992388-G-A. GRCh37 (hg19) VCF-style: chr2-166848898-G-A.
Other names: c.4803C>T, p.Phe1601= (NM_001165964.3, NM_001353957.2, NM_001353958.2); c.4887C>T, p.Phe1629= (NM_001202435.3, NM_001353948.2); c.4854C>T, p.Phe1618= (NM_001353949.2, NM_001353950.2, NM_001353951.2 and 2 more transcripts); c.4851C>T, p.Phe1617= (NM_001353954.2, NM_001353955.2); c.4800C>T, p.Phe1600= (NM_001353960.2); c.2445C>T, p.Phe815= (NM_001353961.2).
Identifiers: ClinVar variation 130207 (VCV000130207.28), dbSNP rs587780445, ClinGen allele CA231472.
Genomic context (GRCh38, chr2:165,992,388, plus strand): 5'-CAGACGTAGGATTCGGCCAATCCTAGCAAGACGGATCACTCGGAACAGGGTAGGGGACAC[G>A]AAATACTTTTCTATCAGCTCGGCAAGAAACATACCTATGAATAAACAATGAGAATACCAA-3'
Protein context (NP_001159435.1, residues 1619-1639): MFLAELIEKY[Phe1629=]VSPTLFRVIR